The following is an entry in ClinVar:

ClinVar aggregate classification (germline): Uncertain significance (1 of 4 stars; one submission).

Conditions:
Fanconi anemia (FA). Also called: Fanconi's anemia. Identifiers: Orphanet 84, MedGen C0015625, MeSH D005199, MONDO:0019391.

Submission:

Labcorp Genetics (formerly Invitae), Labcorp
Classification: Uncertain significance for Fanconi anemia. Last evaluated: 2023-06-27. Review status: criteria provided, single submitter. Criteria: Invitae Variant Classification Sherloc (09022015). Collection method: clinical testing. Allele origin: unknown.
Comment: This variant results in a copy number gain of the genomic region encompassing exon(s) 5-15 of the FANCC gene. This region includes the termination codon of the gene. This copy number gain extends beyond the assayed region for this gene and therefore may encompass additional genes. As the precise location of this event is unknown, it may be in tandem or it may be located elsewhere in the genome. In summary, the available evidence is currently insufficient to determine the role of this variant in disease. Therefore, it has been classified as a Variant of Uncertain Significance. Experimental studies and prediction algorithms are not available or were not evaluated, and the functional significance of this variant is currently unknown. This variant has not been reported in the literature in individuals affected with FANCC-related conditions.

NC_000009.11:g.(?_97863989)_(97934439_?)dup

Gene: FANCC (FA complementation group C; minus strand). Cytogenetic location: 9q22.32.
Variant type: Duplication.
Identifiers: ClinVar variation 3245065 (VCV003245065.1).